The following is an entry in ClinVar:

NM_000545.8(HNF1A):c.77T>G (p.Leu26Arg)

Gene: HNF1A (HNF1 homeobox A; plus strand). Cytogenetic location: 12q24.31.
Variant type: single nucleotide variant.
Coding change: c.77T>G on transcript NM_000545.8 (MANE Select); coding-DNA position 77, T replaced by G.
Protein change: p.Leu26Arg; replaces leucine 26 with arginine.
Molecular consequence: missense variant.
Genome position (GRCh38, 1-based): chr12:120,978,845, T>G. VCF-style: chr12-120978845-T-G. GRCh37 (hg19) VCF-style: chr12-121416648-T-G.
Other names: c.77T>G, p.Leu26Arg (NM_001306179.2, NM_001406915.1); short protein forms L26R.
Identifiers: ClinVar variation 2581317 (VCV002581317.1), dbSNP rs2135819552, ClinGen allele CA386952702.

ClinVar aggregate classification (germline): Uncertain significance (1 of 4 stars; one submission).

Submission:

Women's Health and Genetics/Laboratory Corporation of America, LabCorp
Classification: Uncertain significance. Last evaluated: 2023-08-03. Review status: criteria provided, single submitter. Criteria: LabCorp Variant Classification Summary - May 2015. Collection method: clinical testing. Allele origin: germline.
Comment: Variant summary: HNF1A c.77T>G (p.Leu26Arg) results in a non-conservative amino acid change located in the Hepatocyte nuclear factor 1, N-terminal (IPR006899) of the encoded protein sequence. Five of five in-silico tools predict a damaging effect of the variant on protein function. The variant was absent in 249088 control chromosomes (gnomAD). The available data on variant occurrences in the general population are insufficient to allow any conclusion about variant significance. To our knowledge, no occurrence of c.77T>G in individuals affected with Maturity Onset Diabetes Of The Young 3 and no experimental evidence demonstrating its impact on protein function have been reported. No submitters have cited clinical-significance assessments for this variant to ClinVar after 2014. Based on the evidence outlined above, the variant was classified as uncertain significance.